The following is an entry in ClinVar:

ClinVar aggregate classification (germline): Likely benign (1 of 4 stars; one submission).

gnomAD v4.1: 2 of 1,614,168 alleles (0.00012%); highest among the groups gnomAD compares: Admixed American, 0.0017%; no homozygotes.

Submission:

CeGaT Center for Human Genetics Tuebingen
Classification: Likely benign. Last evaluated: 2026-07-01. Review status: criteria provided, single submitter. Criteria: CeGaT Center For Human Genetics Tuebingen Variant Classification Criteria Version 2. Collection method: clinical testing. Allele origin: germline. Affected: yes. Observed: 1 variant allele.
Comment: CARS1: BP4, BP7

NM_001014437.3(CARS1):c.2235G>A (p.Arg745=)

Gene: CARS1 (cysteinyl-tRNA synthetase 1; minus strand). Cytogenetic location: 11p15.4.
Variant type: single nucleotide variant.
Coding change: c.2235G>A on transcript NM_001014437.3 (MANE Select); coding-DNA position 2235, G replaced by A.
Protein change: p.Arg745=; no amino-acid change (arginine 745 retained).
Molecular consequence: synonymous variant. On other transcripts: non-coding transcript variant (4).
Genome position (GRCh38, 1-based): chr11:3,002,583, C>T on the plus strand (G>A on the coding strand, the complement: CARS1 is on the minus strand). VCF-style: chr11-3002583-C-T. GRCh37 (hg19) VCF-style: chr11-3023813-C-T.
Other names: c.2235G>A, p.Arg745= (NM_001194997.2); c.2025G>A, p.Arg675= (NM_001378136.1); c.1956G>A, p.Arg652= (NM_001378137.1, NM_001378138.1, NM_001378139.1 and 1 more transcripts); c.1710G>A, p.Arg570= (NM_001378140.1); c.1986G>A, p.Arg662= (NM_001751.6, NM_139273.4).
Identifiers: ClinVar variation 5040339 (VCV005040339.1).